The following is an entry in ClinVar:

ClinVar aggregate classification (germline): Pathogenic (1 of 4 stars; one submission).

Conditions:
Ataxia-telangiectasia syndrome (AT). Also called: LOUIS-BAR SYNDROME; Cerebello-oculocutaneous telangiectasia; Immunodeficiency with ataxia telangiectasia; ATAXIA-TELANGIECTASIA, COMPLEMENTATION GROUP A; ATAXIA-TELANGIECTASIA, FRESNO VARIANT; Ataxia-telangiectasia, complementation group D. Identifiers: Orphanet 100, MedGen C0004135, MONDO:0008840, OMIM 208900.

Submission:

Labcorp Genetics (formerly Invitae), Labcorp
Classification: Pathogenic for Ataxia-telangiectasia syndrome. Last evaluated: 2025-06-04. Review status: criteria provided, single submitter. Criteria: Invitae Variant Classification Sherloc (09022015). Collection method: clinical testing. Allele origin: germline.
Comment: This sequence change falls in intron 16 of the ATM gene. It does not directly change the encoded amino acid sequence of the ATM protein. RNA analysis indicates that this variant induces altered splicing and may result in an absent or altered protein product. The frequency data for this variant in the population databases is considered unreliable, as metrics indicate insufficient coverage at this position in the gnomAD database. This variant has not been reported in the literature in individuals affected with ATM-related conditions. ClinVar contains an entry for this variant (Variation ID: 3663501). Studies have shown that this variant results in activation of a cryptic exon, and produces a non-functional protein and/or introduces a premature termination codon (internal data). For these reasons, this variant has been classified as Pathogenic.

NM_000051.4(ATM):c.2466+651_2466+1553delinsGGG

Gene: ATM (ATM serine/threonine kinase; plus strand). Cytogenetic location: 11q22.3.
Variant type: Indel.
Coding change: c.2466+651_2466+1553delinsGGG on transcript NM_000051.4 (MANE Select); bases 651 to 1553 of the intron after coding-DNA position 2466, the reference bases replaced by GGG.
Molecular consequence: intron variant.
Genome position (GRCh38, 1-based): chr11:108,259,726-108,260,628, 903 bases replaced. GRCh37 (hg19): chr11:108,130,453-108,131,355.
Other names: c.2466+651_2466+1553delinsGGG (NM_001351834.2).
Identifiers: ClinVar variation 3663501 (VCV003663501.2).